The following is an entry in ClinVar:

ClinVar aggregate classification (germline): Uncertain significance (1 of 4 stars; one submission).

Conditions:
Inborn genetic diseases. Identifiers: MedGen C0950123, MeSH D030342.

Submission:

Ambry Genetics
Classification: Uncertain significance for Inborn genetic diseases. Last evaluated: 2022-05-15. Review status: criteria provided, single submitter. Criteria: Ambry Variant Classification Scheme 2023. Collection method: clinical testing. Allele origin: germline.
Comment: The p.E98K variant (also known as c.292G>A), located in coding exon 2 of the MEFV gene, results from a G to A substitution at nucleotide position 292. The glutamic acid at codon 98 is replaced by lysine, an amino acid with similar properties. This amino acid position is conserved. In addition, in silico predictors for this gene do not accurately predict pathogenicity. Since supporting evidence is limited at this time, the clinical significance of this alteration remains unclear.

NM_000243.3(MEFV):c.292G>A (p.Glu98Lys)

Gene: MEFV (MEFV innate immunity regulator, pyrin; minus strand). Cytogenetic location: 16p13.3.
Variant type: single nucleotide variant.
Coding change: c.292G>A on transcript NM_000243.3 (MANE Select); coding-DNA position 292, G replaced by A.
Protein change: p.Glu98Lys; replaces glutamic acid 98 with lysine.
Molecular consequence: missense variant. On other transcripts: intron variant (1).
Genome position (GRCh38, 1-based): chr16:3,254,776, C>T on the plus strand (G>A on the coding strand, the complement: MEFV is on the minus strand). VCF-style: chr16-3254776-C-T. GRCh37 (hg19) VCF-style: chr16-3304776-C-T.
Other names: c.277+1535G>A (NM_001198536.2); short protein forms E98K.
Identifiers: ClinVar variation 1797792 (VCV001797792.2), dbSNP rs2543157255, ClinGen allele CA394482793.